The following is an entry in ClinVar:

NM_001382430.1(AKT1):c.365C>G (p.Ser122Trp)

Gene: AKT1 (AKT serine/threonine kinase 1; minus strand). Cytogenetic location: 14q32.33.
Variant type: single nucleotide variant.
Coding change: c.365C>G on transcript NM_001382430.1 (MANE Select); coding-DNA position 365, C replaced by G.
Protein change: p.Ser122Trp; replaces serine 122 with tryptophan.
Molecular consequence: missense variant.
Genome position (GRCh38, 1-based): chr14:104,775,722, G>C on the plus strand (C>G on the coding strand, the complement: AKT1 is on the minus strand). VCF-style: chr14-104775722-G-C. GRCh37 (hg19) VCF-style: chr14-105242059-G-C.
Other names: c.365C>G, p.Ser122Trp (NM_001014431.2, NM_001014432.2, NM_001382431.1 and 3 more transcripts); short protein forms S122W.
Identifiers: ClinVar variation 3224622 (VCV003224622.1), dbSNP rs746934495, ClinGen allele CA391220190.

ClinVar aggregate classification (germline): Uncertain significance (1 of 4 stars; one submission).

Conditions:
Inborn genetic diseases. Identifiers: MedGen C0950123, MeSH D030342.

Submission:

Ambry Genetics
Classification: Uncertain significance for Inborn genetic diseases. Last evaluated: 2024-01-12. Review status: criteria provided, single submitter. Criteria: Ambry Variant Classification Scheme 2023. Collection method: clinical testing. Allele origin: germline.
Comment: The p.S122W variant (also known as c.365C>G), located in coding exon 4 of the AKT1 gene, results from a C to G substitution at nucleotide position 365. The serine at codon 122 is replaced by tryptophan, an amino acid with highly dissimilar properties. This amino acid position is conserved. In addition, this alteration is predicted to be tolerated by in silico analysis. Since supporting evidence is limited at this time, the clinical significance of this alteration remains unclear.